The following is an entry in ClinVar:

ClinVar aggregate classification (germline): Likely pathogenic. Review status: criteria provided, single submitter (1 of 4 stars). 2 submissions from 2 submitters: Likely pathogenic (1). 1 of the submissions does not count toward it. Last evaluated 2019-10-14.

Conditions:
Intellectual developmental disorder and retinitis pigmentosa; IDDRP. Also called: INTELLECTUAL DEVELOPMENTAL DISORDER AND RETINITIS PIGMENTOSA. Identifiers: MedGen C4748658, MONDO:0032594, OMIM 618195.
SCAPER-related disorder. Also called: SCAPER-related condition.

Allele frequency attached by ClinVar (database versions not stated): gnomAD exomes below 0.00001.
gnomAD v4.1: 1 of 1,597,426 alleles (0.000063%); highest among the groups gnomAD compares: South Asian, 0.0011%; no homozygotes.

Submissions (2):

Revvity Omics, Revvity
Classification: Likely pathogenic for Intellectual developmental disorder and retinitis pigmentosa; IDDRP. Last evaluated: 2019-10-14. Review status: criteria provided, single submitter. Criteria: ACMG Guidelines, 2015. Collection method: clinical testing. Allele origin: germline.

PreventionGenetics, part of Exact Sciences
Classification: Likely pathogenic for SCAPER-related condition. Last evaluated: 2024-09-19. Review status: no assertion criteria provided. Collection method: clinical testing. Allele origin: germline. Not counted in ClinVar's aggregate classification.
Comment: The SCAPER c.2973-1G>T variant is predicted to disrupt the AG splice acceptor site and interfere with normal splicing. To our knowledge, this variant was not previously reported in association with disease. This variant has not been reported in a large population database, indicating this variant is rare. Variants that disrupt the consensus splice acceptor site in SCAPER are expected to be pathogenic. This variant is interpreted as likely pathogenic.

NM_020843.4(SCAPER):c.2955-1G>T

Gene: SCAPER (S-phase cyclin A associated protein in the ER; minus strand). Cytogenetic location: 15q24.3.
Variant type: single nucleotide variant.
Coding change: c.2955-1G>T on transcript NM_020843.4 (MANE Select); the canonical splice acceptor site of the intron before coding-DNA position 2955, G replaced by T.
Molecular consequence: splice acceptor variant.
Genome position (GRCh38, 1-based): chr15:76,471,336, C>A on the plus strand (G>T on the coding strand, the complement: SCAPER is on the minus strand). VCF-style: chr15-76471336-C-A. GRCh37 (hg19) VCF-style: chr15-76763677-C-A.
Other names: c.2571-1G>T (NM_001353011.2); c.2553-1G>T (NM_001353012.2, NM_001353010.2); c.2973-1G>T (NM_001353009.2, NM_001353009.1); c.2217-1G>T (NM_001145923.2).
Identifiers: ClinVar variation 1325036 (VCV001325036.5), dbSNP rs2050148457, ClinGen allele CA393633286.
Genomic context (GRCh38, chr15:76,471,336, plus strand): 5'-CAGTTTTCTGAACAGTTATTGCAGGTGAGGTTGTAAACATTGATTGCATTGCAGAGAGAC[C>A]TAAAAGAAGGAGAAAAACACCATTTATAAAACCCGAGCAGCTCTTCTTTAAACAATTAAA-3'